The following is an entry in ClinVar:

ClinVar aggregate classification (germline): Uncertain significance. Review status: criteria provided, multiple submitters, no conflicts (2 of 4 stars). 3 submissions from 3 submitters: Uncertain significance (3). Last evaluated 2024-08-25.

Conditions:
Hereditary cancer-predisposing syndrome. Also called: Neoplastic Syndromes, Hereditary; Tumor predisposition; Hereditary neoplastic syndrome; Hereditary Cancer Syndrome. Identifiers: Orphanet 140162, MedGen C0027672, MeSH D009386, MONDO:0015356.
Neurofibromatosis, type 2 (SWNV). Also called: BILATERAL ACOUSTIC NEUROFIBROMATOSIS; NF2-Related Schwannomatosis; SCHWANNOMATOSIS, VESTIBULAR. Identifiers: Orphanet 637, MedGen C0027832, MONDO:0007039, OMIM 101000. Disease mechanism: loss of function.

gnomAD v4.1: 1 of 1,613,872 alleles (0.000062%); no homozygotes.

Submissions (3):

Ambry Genetics
Classification: Uncertain significance for Hereditary cancer-predisposing syndrome. Last evaluated: 2024-08-25. Review status: criteria provided, single submitter. Criteria: Ambry Variant Classification Scheme 2023. Collection method: clinical testing. Allele origin: germline.
Comment: The p.K578E variant (also known as c.1732A>G), located in coding exon 15 of the NF2 gene, results from an A to G substitution at nucleotide position 1732. The lysine at codon 578 is replaced by glutamic acid, an amino acid with similar properties. This amino acid position is conserved. In addition, the in silico prediction for this alteration is inconclusive. Based on the available evidence, the clinical significance of this variant remains unclear.

CeGaT Center for Human Genetics Tuebingen
Classification: Uncertain significance. Last evaluated: 2022-06-01. Review status: criteria provided, single submitter. Criteria: CeGaT Center For Human Genetics Tuebingen Variant Classification Criteria Version 2. Collection method: clinical testing. Allele origin: germline. Affected: yes. Observed: 1 variant allele.
Comment: NF2: PM2, PS4:Supporting

Labcorp Genetics (formerly Invitae), Labcorp
Classification: Uncertain significance for Neurofibromatosis, type 2. Last evaluated: 2022-04-11. Review status: criteria provided, single submitter. Criteria: Invitae Variant Classification Sherloc (09022015). Collection method: clinical testing. Allele origin: germline.
Comment: This sequence change replaces lysine, which is basic and polar, with glutamic acid, which is acidic and polar, at codon 578 of the NF2 protein (p.Lys578Glu). This variant is not present in population databases (gnomAD no frequency). This variant has not been reported in the literature in individuals affected with NF2-related conditions. ClinVar contains an entry for this variant (Variation ID: 1061943). Algorithms developed to predict the effect of missense changes on protein structure and function (SIFT, PolyPhen-2, Align-GVGD) all suggest that this variant is likely to be tolerated. In summary, the available evidence is currently insufficient to determine the role of this variant in disease. Therefore, it has been classified as a Variant of Uncertain Significance.

NM_000268.4(NF2):c.1732A>G (p.Lys578Glu)

Gene: NF2 (NF2, moesin-ezrin-radixin like (MERLIN) tumor suppressor; plus strand). Cytogenetic location: 22q12.2.
Variant type: single nucleotide variant.
Coding change: c.1732A>G on transcript NM_000268.4 (MANE Select); coding-DNA position 1732, A replaced by G.
Protein change: p.Lys578Glu; replaces lysine 578 with glutamic acid.
Molecular consequence: missense variant. On other transcripts: non-coding transcript variant (1), intron variant (1).
Genome position (GRCh38, 1-based): chr22:29,681,596, A>G. VCF-style: chr22-29681596-A-G. GRCh37 (hg19) VCF-style: chr22-30077585-A-G.
Other names: c.1732A>G, p.Lys578Glu (NM_016418.5, NM_181825.3, NM_181832.3); c.1606A>G, p.Lys536Glu (NM_181828.3); c.1609A>G, p.Lys537Glu (NM_181829.3); c.1483A>G, p.Lys495Glu (NM_181830.3, NM_181831.3); c.448-13156A>G (NM_181833.3); c.1732A>G (NM_000268.3); short protein forms K495E, K536E, K537E, K578E.
Identifiers: ClinVar variation 1061943 (VCV001061943.40), dbSNP rs2147123687, ClinGen allele CA411150539.